The following is an entry in ClinVar:

NM_020923.3(ZDBF2):c.634C>T (p.His212Tyr)

Gene: ZDBF2 (zinc finger DBF-type containing 2; plus strand). Cytogenetic location: 2q33.3.
Variant type: single nucleotide variant.
Coding change: c.634C>T on transcript NM_020923.3 (MANE Select); coding-DNA position 634, C replaced by T.
Protein change: p.His212Tyr; replaces histidine 212 with tyrosine.
Molecular consequence: missense variant.
Genome position (GRCh38, 1-based): chr2:206,305,162, C>T. VCF-style: chr2-206305162-C-T. GRCh37 (hg19) VCF-style: chr2-207169886-C-T.
Other names: c.628C>T, p.His210Tyr (NM_001285549.2); c.634C>T, p.His212Tyr (NM_001369654.1); short protein forms H210Y, H212Y.
Identifiers: ClinVar variation 4715597 (VCV004715597.1).
Genomic context (GRCh38, chr2:206,305,162, plus strand): 5'-CCTGAAAGCTCTAACGATAGACCAGTTACAGCTAATACAACTAGTTTACCACCAGCAGCT[C>T]ATTTGGATTCAGTTAGCAAATGTGACCCAAACAAAGTTGAGAAATATCTTGAACAGCCAG-3'
Protein context (NP_065974.1, residues 202-222): ANTTSLPPAA[His212Tyr]LDSVSKCDPN

ClinVar aggregate classification (germline): Uncertain significance (1 of 4 stars; one submission).

gnomAD v4.1: 259 of 1,613,698 alleles (0.016%); highest among the groups gnomAD compares: Non-Finnish European, 0.019%; no homozygotes.

Submission:

Labcorp Genetics (formerly Invitae), Labcorp
Classification: Uncertain significance. Last evaluated: 2025-08-07. Review status: criteria provided, single submitter. Criteria: Invitae Variant Classification Sherloc (09022015). Collection method: clinical testing. Allele origin: germline.
Comment: This sequence change replaces histidine, which is basic and polar, with tyrosine, which is neutral and polar, at codon 212 of the ZDBF2 protein (p.His212Tyr). This variant is present in population databases (rs377484937, gnomAD 0.01%). This variant has not been reported in the literature in individuals affected with ZDBF2-related conditions. An algorithm developed to predict the effect of missense changes on protein structure and function (PolyPhen-2) suggests that this variant is likely to be tolerated. In summary, the available evidence is currently insufficient to determine the role of this variant in disease. Therefore, it has been classified as a Variant of Uncertain Significance.